The following is an entry in ClinVar:

NM_017570.5(OPLAH):c.137C>T (p.Ala46Val)

Gene: OPLAH (5-oxoprolinase, ATP-hydrolysing; minus strand). Cytogenetic location: 8q24.3.
Variant type: single nucleotide variant.
Coding change: c.137C>T on transcript NM_017570.5 (MANE Select); coding-DNA position 137, C replaced by T.
Protein change: p.Ala46Val; replaces alanine 46 with valine.
Molecular consequence: missense variant.
Genome position (GRCh38, 1-based): chr8:144,059,896, G>A on the plus strand (C>T on the coding strand, the complement: OPLAH is on the minus strand). VCF-style: chr8-144059896-G-A. GRCh37 (hg19) VCF-style: chr8-145114799-G-A.
Other names: short protein forms A46V.
Identifiers: ClinVar variation 1500584 (VCV001500584.6), dbSNP rs782757072, ClinGen allele CA4932400.
Genomic context (GRCh38, chr8:144,059,896, plus strand): 5'-TGTCCACCCGCTCCGCCCTGGCCCACCTGCTCCAGGATGCGGCGGATGCCTTCGGTTGGC[G>A]CGTCCGCATAGTTGGCAGGGTCCTCTGAGAGCAGTTTTAAGACCCGCACGTGCCCCCCTG-3'
Protein context (NP_060040.1, residues 36-56): LSEDPANYAD[Ala46Val]PTEGIRRILE

ClinVar aggregate classification (germline): Uncertain significance (1 of 4 stars; one submission).

Conditions:
5-Oxoprolinase deficiency (OPLAHD). Also called: 5-OXOPROLINURIA DUE TO 5-OXOPROLINASE DEFICIENCY. Identifiers: Orphanet 33572, MedGen C0268525, MONDO:0009825, OMIM 260005, HP:0040142.

Allele frequency attached by ClinVar (database versions not stated): ExAC 0.00001; gnomAD exomes 0.00001; TOPMed 0.00001.
gnomAD v4.1: 12 of 1,612,774 alleles (0.00074%); highest among the groups gnomAD compares: South Asian, 0.0022%; no homozygotes.

Submission:

Labcorp Genetics (formerly Invitae), Labcorp
Classification: Uncertain significance for 5-Oxoprolinase deficiency. Last evaluated: 2021-08-14. Review status: criteria provided, single submitter. Criteria: Invitae Variant Classification Sherloc (09022015). Collection method: clinical testing. Allele origin: germline.
Comment: In summary, the available evidence is currently insufficient to determine the role of this variant in disease. Therefore, it has been classified as a Variant of Uncertain Significance. This sequence change replaces alanine with valine at codon 46 of the OPLAH protein (p.Ala46Val). The alanine residue is highly conserved and there is a small physicochemical difference between alanine and valine. This variant is present in population databases (rs782757072, ExAC 0.002%). This variant has not been reported in the literature in individuals affected with OPLAH-related conditions. Experimental studies and prediction algorithms are not available or were not evaluated, and the functional significance of this variant is currently unknown.